The following is an entry in ClinVar:

ClinVar aggregate classification (germline): Pathogenic. Review status: criteria provided, multiple submitters, no conflicts (2 of 4 stars). 4 submissions from 4 submitters: Pathogenic (4). Last evaluated 2025-08-28.

Conditions:
KBG syndrome (KBGS). Also called: ANKRD11-Related KBG Syndrome. Identifiers: Orphanet 2332, MedGen C0220687, MONDO:0007846, OMIM 148050.
Inborn genetic diseases. Identifiers: MedGen C0950123, MeSH D030342.

Submissions (4):

Ambry Genetics
Classification: Pathogenic for Inborn genetic diseases. Last evaluated: 2025-08-28. Review status: criteria provided, single submitter. Criteria: Ambry Variant Classification Scheme 2023. Collection method: clinical testing. Allele origin: germline.
Comment: The c.6807_6808delTG (p.A2270Pfs*2) alteration, located in exon 9 (coding exon 7) of the ANKRD11 gene, consists of a deletion of 2 nucleotides from position 6807 to 6808, causing a translational frameshift with a predicted alternate stop codon after 2 amino acids. This alteration is expected to result in loss of function by premature protein truncation or nonsense-mediated mRNA decay. This variant was not reported in population-based cohorts in the Genome Aggregation Database (gnomAD). Based on the available evidence, this alteration is classified as pathogenic.

CeGaT Center for Human Genetics Tuebingen
Classification: Pathogenic. Last evaluated: 2024-05-01. Review status: criteria provided, single submitter. Criteria: CeGaT Center For Human Genetics Tuebingen Variant Classification Criteria Version 2. Collection method: clinical testing. Allele origin: germline. Affected: yes. Observed: 1 variant allele.
Comment: ANKRD11: PVS1, PM2, PM6, PS4:Moderate

Equipe Genetique des Anomalies du Developpement, Université de Bourgogne
Classification: Pathogenic for KBG syndrome. Last evaluated: 2022-12-07. Review status: criteria provided, single submitter. Criteria: ACMG Guidelines, 2015. Collection method: clinical testing. Allele origin: de novo. Inheritance: Autosomal dominant inheritance. Affected: yes.

Institute of Human Genetics Munich, TUM University Hospital
Classification: Pathogenic for KBG syndrome. Last evaluated: 2020-01-17. Review status: criteria provided, single submitter. Criteria: Classification criteria August 2017. Collection method: clinical testing. Allele origin: de novo. Inheritance: Autosomal dominant inheritance. Affected: yes. Observed: 1 heterozygote.

NM_013275.6(ANKRD11):c.6807_6808del (p.Ala2270fs)

Gene: ANKRD11 (ankyrin repeat domain 11; minus strand). Cytogenetic location: 16q24.3.
Variant type: Microsatellite.
Coding change: c.6807_6808del on transcript NM_013275.6 (MANE Select); coding-DNA positions 6807 to 6808, 2 bases deleted (TG; older notation c.6807_6808delTG).
Protein change: p.Ala2270fs; shifts the reading frame from alanine 2270.
Molecular consequence: frameshift variant.
Genome position (GRCh38, 1-based): chr16:89,279,734-89,279,735, CA deleted on the plus strand (TG on the coding strand, the reverse complement: ANKRD11 is on the minus strand); deleting any 2 consecutive bases within chr16:89,279,734-89,279,737 gives the same sequence; the c. name uses the placement nearest the transcript's 3' end. VCF-style (leftmost placement, unchanged base first): chr16-89279733-GCA-G. GRCh37 (hg19) VCF-style: chr16-89346141-GCA-G.
Other names: c.6807_6808delTG (NM_013275.4); c.6807_6808del, p.Ala2270fs (NM_001256182.2, NM_001256183.2); short protein forms A2270fs.
Identifiers: ClinVar variation 807370 (VCV000807370.24), dbSNP rs1597435393, ClinGen allele CA915949408.